The following is an entry in ClinVar:

ClinVar aggregate classification (germline): Uncertain significance (0 of 4 stars; one submission).

Conditions:
PCNT-related disorder. Also called: PCNT-related condition.

Submission:

PreventionGenetics, part of Exact Sciences
Classification: Uncertain significance for PCNT-related condition. Last evaluated: 2024-05-09. Review status: no assertion criteria provided. Collection method: clinical testing. Allele origin: germline.
Comment: The PCNT c.5557G>T variant is predicted to result in the amino acid substitution p.Ala1853Ser. To our knowledge, this variant has not been reported in the literature or in a large population database, indicating this variant is rare. At this time, the clinical significance of this variant is uncertain due to the absence of conclusive functional and genetic evidence.

NM_006031.6(PCNT):c.5557G>T (p.Ala1853Ser)

Gene: PCNT (pericentrin; plus strand). Cytogenetic location: 21q22.3.
Variant type: single nucleotide variant.
Coding change: c.5557G>T on transcript NM_006031.6 (MANE Select); coding-DNA position 5557, G replaced by T.
Protein change: p.Ala1853Ser; replaces alanine 1853 with serine.
Molecular consequence: missense variant.
Genome position (GRCh38, 1-based): chr21:46,411,630, G>T. VCF-style: chr21-46411630-G-T. GRCh37 (hg19) VCF-style: chr21-47831544-G-T.
Other names: c.5203G>T, p.Ala1735Ser (NM_001315529.2); short protein forms A1735S, A1853S.
Identifiers: ClinVar variation 3346006 (VCV003346006.1).